The following is an entry in ClinVar:

ClinVar aggregate classification (germline): Uncertain significance (1 of 4 stars; one submission).

Conditions:
Inborn genetic diseases. Identifiers: MedGen C0950123, MeSH D030342.

gnomAD v4.1: 2 of 1,586,128 alleles (0.00013%); highest among the groups gnomAD compares: Non-Finnish European, 0.00017%; no homozygotes.

Submission:

Ambry Genetics
Classification: Uncertain significance for Inborn genetic diseases. Last evaluated: 2024-04-27. Review status: criteria provided, single submitter. Criteria: Ambry Variant Classification Scheme 2023. Collection method: clinical testing. Allele origin: germline.
Comment: The p.K468R variant (also known as c.1403A>G), located in coding exon 7 of the PIK3CA gene, results from an A to G substitution at nucleotide position 1403. The lysine at codon 468 is replaced by arginine, an amino acid with highly similar properties. This amino acid position is conserved. In addition, the in silico prediction for this alteration is inconclusive. Based on the available evidence, the clinical significance of this variant remains unclear.

NM_006218.4(PIK3CA):c.1403A>G (p.Lys468Arg)

Gene: PIK3CA (phosphatidylinositol-4,5-bisphosphate 3-kinase catalytic subunit alpha; plus strand). Cytogenetic location: 3q26.32.
Variant type: single nucleotide variant.
Coding change: c.1403A>G on transcript NM_006218.4 (MANE Select); coding-DNA position 1403, A replaced by G.
Protein change: p.Lys468Arg; replaces lysine 468 with arginine.
Molecular consequence: missense variant.
Genome position (GRCh38, 1-based): chr3:179,210,337, A>G. VCF-style: chr3-179210337-A-G. GRCh37 (hg19) VCF-style: chr3-178928125-A-G.
Other names: short protein forms K468R.
Identifiers: ClinVar variation 3306593 (VCV003306593.1).